The following is an entry in ClinVar:

ClinVar aggregate classification (germline): Benign/Likely benign. Review status: criteria provided, multiple submitters, no conflicts (2 of 4 stars). 4 submissions from 4 submitters: Benign (1); Likely benign (3). Last evaluated 2025-12-12.

Conditions:
Hereditary cancer-predisposing syndrome. Also called: Neoplastic Syndromes, Hereditary; Tumor predisposition; Hereditary Cancer Syndrome; Hereditary neoplastic syndrome. Identifiers: Orphanet 140162, MedGen C0027672, MeSH D009386, MONDO:0015356.
Familial adenomatous polyposis 1 (FAP1). Also called: FAMILIAL ADENOMATOUS POLYPOSIS 1, ATTENUATED; POLYPOSIS, ADENOMATOUS INTESTINAL. Identifiers: MedGen C2713442, MONDO:0021056, OMIM 175100. Disease mechanism: loss of function.

Allele frequency attached by ClinVar (database versions not stated): gnomAD exomes below 0.00001.
gnomAD v4.1: 5 of 1,614,216 alleles (0.00031%); highest among the groups gnomAD compares: East Asian, 0.0045%; no homozygotes.

Submissions (4):

Labcorp Genetics (formerly Invitae), Labcorp
Classification: Likely benign for Familial adenomatous polyposis 1. Last evaluated: 2025-12-12. Review status: criteria provided, single submitter. Criteria: Invitae Variant Classification Sherloc (09022015). Collection method: clinical testing. Allele origin: germline.

Ambry Genetics
Classification: Likely benign for Hereditary cancer-predisposing syndrome. Last evaluated: 2025-08-02. Review status: criteria provided, single submitter. Criteria: Ambry Variant Classification Scheme 2023. Collection method: clinical testing. Allele origin: germline.

Myriad Genetics, Inc.
Classification: Benign for Familial adenomatous polyposis 1. Last evaluated: 2024-03-15. Review status: criteria provided, single submitter. Criteria: Myriad Autosomal Dominant, Autosomal Recessive and X-Linked Classification Criteria (2023). Collection method: clinical testing. Allele origin: unknown.
Comment: This variant is considered benign. This variant is a silent/synonymous amino acid change and it is not expected to impact splicing.

Color Diagnostics, LLC DBA Color Health
Classification: Likely benign for Hereditary cancer-predisposing syndrome. Last evaluated: 2019-05-22. Review status: criteria provided, single submitter. Criteria: ACMG Guidelines, 2015. Collection method: clinical testing. Allele origin: germline.

NM_000038.6(APC):c.2934A>G (p.Gln978=)

Gene: APC (APC regulator of Wnt signaling pathway; plus strand). Cytogenetic location: 5q22.2.
Variant type: single nucleotide variant.
Coding change: c.2934A>G on transcript NM_000038.6 (MANE Select); coding-DNA position 2934, A replaced by G.
Protein change: p.Gln978=; no amino-acid change (glutamine 978 retained).
Molecular consequence: synonymous variant.
Genome position (GRCh38, 1-based): chr5:112,838,528, A>G. VCF-style: chr5-112838528-A-G. GRCh37 (hg19) VCF-style: chr5-112174225-A-G.
Other names: c.2934A>G, p.Gln978= (NM_001127510.3, NM_001354895.2); c.2880A>G, p.Gln960= (NM_001127511.3); c.2988A>G, p.Gln996= (NM_001354896.2); c.2964A>G, p.Gln988= (NM_001354897.2); c.2859A>G, p.Gln953= (NM_001354898.2); c.2850A>G, p.Gln950= (NM_001354899.2); c.2811A>G, p.Gln937= (NM_001354900.2); c.2757A>G, p.Gln919= (NM_001354901.2); and 5 more.
Identifiers: ClinVar variation 922355 (VCV000922355.14), dbSNP rs1765298867, ClinGen allele CA445963079.
Genomic context (GRCh38, chr5:112,838,528, plus strand): 5'-ATCTTCAAATGATAGTTTAAATAGTGTCAGTAGTAGTGATGGTTATGGTAAAAGAGGTCA[A>G]ATGAAACCCTCGATTGAATCCTATTCTGAAGATGATGAAAGTAAGTTTTGCAGTTATGGT-3'
Protein context (NP_000029.2, residues 968-988): SSSDGYGKRG[Gln978=]MKPSIESYSE